The following is an entry in ClinVar:

NM_016616.5(NME8):c.88A>G (p.Thr30Ala)

Gene: NME8 (NME/NM23 family member 8; plus strand). Cytogenetic location: 7p14.1.
Variant type: single nucleotide variant.
Coding change: c.88A>G on transcript NM_016616.5 (MANE Select); coding-DNA position 88, A replaced by G.
Protein change: p.Thr30Ala; replaces threonine 30 with alanine.
Molecular consequence: missense variant.
Genome position (GRCh38, 1-based): chr7:37,850,432, A>G. VCF-style: chr7-37850432-A-G. GRCh37 (hg19) VCF-style: chr7-37890034-A-G.
Other names: short protein forms T30A.
Identifiers: ClinVar variation 536824 (VCV000536824.13), dbSNP rs199920317, ClinGen allele CA4222040.

ClinVar aggregate classification (germline): Conflicting classifications of pathogenicity. Review status: criteria provided, conflicting classifications (1 of 4 stars). 3 submissions from 3 submitters: Uncertain significance (2); Benign (1). Last evaluated 2026-07-01.

Conditions:
Primary ciliary dyskinesia. Also called: Ciliary dyskinesia. Identifiers: Orphanet 244, MedGen C0008780, MONDO:0016575, HP:0012265.
Primary ciliary dyskinesia 6. Also called: Primary Ciliary Dyskinesia 6: TXNDC3-Related Primary Ciliary Dyskinesia. Identifiers: Orphanet 244, MedGen C1970506, MONDO:0012571, OMIM 610852.

Allele frequency attached by ClinVar (database versions not stated): gnomAD exomes 0.00005 and 0.00012; ExAC 0.00014; 1000 Genomes Project 0.00020; 1000 Genomes Project 30x 0.00031; ESP Exome Variant Server 0.00046; gnomAD 0.00048 and 0.00053; TOPMed 0.00053.
gnomAD v4.1: 160 of 1,614,180 alleles (0.0099%); highest among the groups gnomAD compares: African/African-American, 0.18%; 1 homozygote.

Submissions (3):

Ambry Genetics
Classification: Benign for Primary ciliary dyskinesia. Last evaluated: 2026-07-01. Review status: criteria provided, single submitter. Criteria: Ambry Variant Classification Scheme 2023. Collection method: clinical testing. Allele origin: germline.

Labcorp Genetics (formerly Invitae), Labcorp
Classification: Uncertain significance for Primary ciliary dyskinesia 6. Last evaluated: 2025-10-11. Review status: criteria provided, single submitter. Criteria: Invitae Variant Classification Sherloc (09022015). Collection method: clinical testing. Allele origin: germline.
Comment: This sequence change replaces threonine, which is neutral and polar, with alanine, which is neutral and non-polar, at codon 30 of the NME8 protein (p.Thr30Ala). This variant is present in population databases (rs199920317, gnomAD 0.2%), and has an allele count higher than expected for a pathogenic variant. This variant has not been reported in the literature in individuals affected with NME8-related conditions. ClinVar contains an entry for this variant (Variation ID: 536824). Invitae Evidence Modeling of protein sequence and biophysical properties (such as structural, functional, and spatial information, amino acid conservation, physicochemical variation, residue mobility, and thermodynamic stability) indicates that this missense variant is expected to disrupt NME8 protein function with a positive predictive value of 80%. In summary, the available evidence is currently insufficient to determine the role of this variant in disease. Therefore, it has been classified as a Variant of Uncertain Significance.

Blueprint Genetics
Classification: Uncertain significance. Last evaluated: 2024-07-30. Review status: criteria provided, single submitter. Criteria: ACMG Guidelines, 2015. Collection method: clinical testing. Allele origin: germline.

Literature cited by the submitters: PubMed 35626283 (cited by Ambry Genetics).